The following is an entry in ClinVar:

ClinVar aggregate classification (germline): Uncertain significance. Review status: criteria provided, multiple submitters, no conflicts (2 of 4 stars). 2 submissions from 2 submitters: Uncertain significance (2). Last evaluated 2024-03-01.

Conditions:
Inborn genetic diseases. Identifiers: MedGen C0950123, MeSH D030342.

Allele frequency attached by ClinVar (database versions not stated): gnomAD exomes 0.00001 and 0.00005; TOPMed 0.00002; gnomAD 0.00004 and 0.00005; ExAC 0.00007.
gnomAD v4.1: 16 of 1,614,080 alleles (0.00099%); highest among the groups gnomAD compares: East Asian, 0.027%; no homozygotes.

Submissions (2):

Ambry Genetics
Classification: Uncertain significance for Inborn genetic diseases. Last evaluated: 2024-03-01. Review status: criteria provided, single submitter. Criteria: Ambry Variant Classification Scheme 2023. Collection method: clinical testing. Allele origin: germline.

Labcorp Genetics (formerly Invitae), Labcorp
Classification: Uncertain significance. Last evaluated: 2022-07-12. Review status: criteria provided, single submitter. Criteria: Invitae Variant Classification Sherloc (09022015). Collection method: clinical testing. Allele origin: germline.
Comment: This sequence change replaces valine, which is neutral and non-polar, with methionine, which is neutral and non-polar, at codon 417 of the ACBD5 protein (p.Val417Met). This variant is present in population databases (rs773326165, gnomAD 0.08%). This variant has not been reported in the literature in individuals affected with ACBD5-related conditions. ClinVar contains an entry for this variant (Variation ID: 1350858). Algorithms developed to predict the effect of missense changes on protein structure and function output the following: SIFT: "Tolerated"; PolyPhen-2: "Benign"; Align-GVGD: "Class C0". The methionine amino acid residue is found in multiple mammalian species, which suggests that this missense change does not adversely affect protein function. In summary, the available evidence is currently insufficient to determine the role of this variant in disease. Therefore, it has been classified as a Variant of Uncertain Significance.

NM_145698.5(ACBD5):c.1249G>A (p.Val417Met)

Gene: ACBD5 (acyl-CoA binding domain containing 5; minus strand). Cytogenetic location: 10p12.1.
Variant type: single nucleotide variant.
Coding change: c.1249G>A on transcript NM_145698.5 (MANE Select); coding-DNA position 1249, G replaced by A.
Protein change: p.Val417Met; replaces valine 417 with methionine.
Molecular consequence: missense variant.
Genome position (GRCh38, 1-based): chr10:27,208,401, C>T on the plus strand (G>A on the coding strand, the complement: ACBD5 is on the minus strand). VCF-style: chr10-27208401-C-T. GRCh37 (hg19) VCF-style: chr10-27497330-C-T.
Other names: c.1144G>A, p.Val382Met (NM_001042473.4, NM_001352577.2, NM_001352578.2 and 1 more transcripts); c.1243G>A, p.Val415Met (NM_001271512.3); c.922G>A, p.Val308Met (NM_001301251.2, NM_001301252.2, NM_001301253.2 and 2 more transcripts); c.718G>A, p.Val240Met (NM_001301254.2); c.1303G>A, p.Val435Met (NM_001352568.1); c.1282G>A, p.Val428Met (NM_001352569.1); c.1249G>A, p.Val417Met (NM_001352570.1); c.1276G>A, p.Val426Met (NM_001352571.1); and 11 more; short protein forms V240M, V319M, V415M, V424M, V426M, V428M, V308M, V347M.
Identifiers: ClinVar variation 1350858 (VCV001350858.4), dbSNP rs773326165, ClinGen allele CA5450689.